The following is an entry in ClinVar:

ClinVar aggregate classification (germline): Uncertain significance (1 of 4 stars; one submission).

Conditions:
Hereditary cancer-predisposing syndrome. Also called: Hereditary Cancer Syndrome; Neoplastic Syndromes, Hereditary; Tumor predisposition; Hereditary neoplastic syndrome. Identifiers: Orphanet 140162, MedGen C0027672, MeSH D009386, MONDO:0015356.

Submission:

Ambry Genetics
Classification: Uncertain significance for Hereditary cancer-predisposing syndrome. Last evaluated: 2026-07-07. Review status: criteria provided, single submitter. Criteria: Ambry Variant Classification Scheme 2023. Collection method: clinical testing. Allele origin: germline.
Comment: The p.K231Q variant (also known as c.691A>C), located in coding exon 5 of the DICER1 gene, results from an A to C substitution at nucleotide position 691. The lysine at codon 231 is replaced by glutamine, an amino acid with similar properties. This amino acid position is conserved. In addition, this alteration is predicted to be tolerated by in silico analysis. Based on the available evidence, the clinical significance of this variant remains unclear.

NM_177438.3(DICER1):c.691A>C (p.Lys231Gln)

Gene: DICER1 (dicer 1, ribonuclease III; minus strand). Cytogenetic location: 14q32.13.
Variant type: single nucleotide variant.
Coding change: c.691A>C on transcript NM_177438.3 (MANE Select); coding-DNA position 691, A replaced by C.
Protein change: p.Lys231Gln; replaces lysine 231 with glutamine.
Molecular consequence: missense variant. On other transcripts: 5 prime UTR variant (1), non-coding transcript variant (6).
Genome position (GRCh38, 1-based): chr14:95,129,515, T>G on the plus strand (A>C on the coding strand, the complement: DICER1 is on the minus strand). VCF-style: chr14-95129515-T-G. GRCh37 (hg19) VCF-style: chr14-95595852-T-G.
Other names: c.691A>C, p.Lys231Gln (NM_001195573.1, NM_001271282.3, NM_001291628.2 and 14 more transcripts); c.409A>C, p.Lys137Gln (NM_001395686.1); c.286A>C, p.Lys96Gln (NM_001395687.1, NM_001395688.1, NM_001395689.1 and 3 more transcripts); c.124A>C, p.Lys42Gln (NM_001395691.1); c.-878A>C (NM_001395697.1); short protein forms K231Q, K137Q, K42Q, K96Q.
Identifiers: ClinVar variation 5035273 (VCV005035273.1).
Genomic context (GRCh38, chr14:95,129,515, plus strand): 5'-CAATCAGAAGTGCATACCTGTCTAAGACCACCAGGTCAGTTGCAGTTTCAGCATTACTCT[T>G]AAGAATTTTCTCTAGTTTCTGAATCTTTTCTTCCAATTCCTCTGGATCACATTTCCCATT-3'
Protein context (NP_803187.1, residues 221-241): EKIQKLEKIL[Lys231Gln]SNAETATDLV